The following is an entry in ClinVar:

ClinVar aggregate classification (germline): Uncertain significance. Review status: criteria provided, multiple submitters, no conflicts (2 of 4 stars). 2 submissions from 2 submitters: Uncertain significance (2). Last evaluated 2026-01-26.

Conditions:
Inborn genetic diseases. Identifiers: MedGen C0950123, MeSH D030342.

Allele frequency attached by ClinVar (database versions not stated): ESP Exome Variant Server 0.00008; gnomAD 0.00014 and 0.00015; gnomAD exomes 0.00017 and 0.00019; TOPMed 0.00018; ExAC 0.00022.
gnomAD v4.1: 270 of 1,599,404 alleles (0.017%); highest among the groups gnomAD compares: Middle Eastern, 0.033%; no homozygotes.

Submissions (2):

Labcorp Genetics (formerly Invitae), Labcorp
Classification: Uncertain significance. Last evaluated: 2026-01-26. Review status: criteria provided, single submitter. Criteria: Invitae Variant Classification Sherloc (09022015). Collection method: clinical testing. Allele origin: germline.
Comment: This sequence change replaces serine, which is neutral and polar, with leucine, which is neutral and non-polar, at codon 162 of the CD55 protein (p.Ser162Leu). This variant is present in population databases (rs149215462, gnomAD 0.04%). This variant has not been reported in the literature in individuals affected with CD55-related conditions. ClinVar contains an entry for this variant (Variation ID: 1404010). Invitae Evidence Modeling of protein sequence and biophysical properties (such as structural, functional, and spatial information, amino acid conservation, physicochemical variation, residue mobility, and thermodynamic stability) indicates that this missense variant is not expected to disrupt CD55 protein function with a negative predictive value of 80%. In summary, the available evidence is currently insufficient to determine the role of this variant in disease. Therefore, it has been classified as a Variant of Uncertain Significance.

Ambry Genetics
Classification: Uncertain significance for Inborn genetic diseases. Last evaluated: 2022-04-13. Review status: criteria provided, single submitter. Criteria: Ambry Variant Classification Scheme 2023. Collection method: clinical testing. Allele origin: germline.

NM_000574.5(CD55):c.485C>T (p.Ser162Leu)

Gene: CD55 (CD55 molecule (Cromer blood group); plus strand). Cytogenetic location: 1q32.2.
Variant type: single nucleotide variant.
Coding change: c.485C>T on transcript NM_000574.5 (MANE Select); coding-DNA position 485, C replaced by T.
Protein change: p.Ser162Leu; replaces serine 162 with leucine.
Molecular consequence: missense variant. On other transcripts: non-coding transcript variant (1).
Genome position (GRCh38, 1-based): chr1:207,325,628, C>T. VCF-style: chr1-207325628-C-T. GRCh37 (hg19) VCF-style: chr1-207498973-C-T.
Other names: c.485C>T, p.Ser162Leu (NM_001114752.3, NM_001300902.2, NM_001300903.2 and 1 more transcripts); c.485C>T (NM_000574.3); short protein forms S162L.
Identifiers: ClinVar variation 1404010 (VCV001404010.5), dbSNP rs149215462, ClinGen allele CA1368014.